The following is an entry in ClinVar:

ClinVar aggregate classification (germline): Uncertain significance. Review status: criteria provided, multiple submitters, no conflicts (2 of 4 stars). 2 submissions from 2 submitters: Uncertain significance (2). Last evaluated 2024-04-15.

Conditions:
Inborn genetic diseases. Identifiers: MedGen C0950123, MeSH D030342.

Allele frequency attached by ClinVar (database versions not stated): gnomAD 0.00001; gnomAD exomes 0.00001; TOPMed 0.00002; ExAC 0.00003.
gnomAD v4.1: 13 of 1,613,800 alleles (0.00081%); highest among the groups gnomAD compares: Admixed American, 0.018%; no homozygotes.

Submissions (2):

Ambry Genetics
Classification: Uncertain significance for Inborn genetic diseases. Last evaluated: 2024-04-15. Review status: criteria provided, single submitter. Criteria: Ambry Variant Classification Scheme 2023. Collection method: clinical testing. Allele origin: germline.

Labcorp Genetics (formerly Invitae), Labcorp
Classification: Uncertain significance. Last evaluated: 2023-09-19. Review status: criteria provided, single submitter. Criteria: Invitae Variant Classification Sherloc (09022015). Collection method: clinical testing. Allele origin: germline.
Comment: In summary, the available evidence is currently insufficient to determine the role of this variant in disease. Therefore, it has been classified as a Variant of Uncertain Significance. This sequence change replaces proline, which is neutral and non-polar, with serine, which is neutral and polar, at codon 418 of the COL10A1 protein (p.Pro418Ser). This variant is present in population databases (rs753725049, gnomAD 0.03%). This variant has not been reported in the literature in individuals affected with COL10A1-related conditions. Advanced modeling of protein sequence and biophysical properties (such as structural, functional, and spatial information, amino acid conservation, physicochemical variation, residue mobility, and thermodynamic stability) has been performed at Invitae for this missense variant, however the output from this modeling did not meet the statistical confidence thresholds required to predict the impact of this variant on COL10A1 protein function.

NM_000493.4(COL10A1):c.1252C>T (p.Pro418Ser)

Genes: COL10A1 (collagen type X alpha 1 chain; minus strand), NT5DC1 (5'-nucleotidase domain containing 1; plus strand). Cytogenetic location: 6q22.1.
Variant type: single nucleotide variant.
Coding change: c.1252C>T on transcript NM_000493.4 (MANE Select); coding-DNA position 1252, C replaced by T.
Protein change: p.Pro418Ser; replaces proline 418 with serine.
Molecular consequence: missense variant. On other transcripts: intron variant (1).
Genome position (GRCh38, 1-based): chr6:116,120,864, G>A on the plus strand (C>T on the coding strand, the complement: COL10A1 is on the minus strand). VCF-style: chr6-116120864-G-A. GRCh37 (hg19) VCF-style: chr6-116442027-G-A.
Other names: c.1252C>T, p.Pro418Ser (NM_001424106.1, NM_001424107.1); c.529+2919G>A (NM_152729.3); short protein forms P418S.
Identifiers: ClinVar variation 2918122 (VCV002918122.4), dbSNP rs753725049, ClinGen allele CA3968221.